The following is an entry in ClinVar:

NM_017636.4(TRPM4):c.2648T>A (p.Leu883Gln)

Gene: TRPM4 (transient receptor potential cation channel subfamily M member 4; plus strand). Cytogenetic location: 19q13.33.
Variant type: single nucleotide variant.
Coding change: c.2648T>A on transcript NM_017636.4 (MANE Select); coding-DNA position 2648, T replaced by A.
Protein change: p.Leu883Gln; replaces leucine 883 with glutamine.
Molecular consequence: missense variant.
Genome position (GRCh38, 1-based): chr19:49,200,302, T>A. VCF-style: chr19-49200302-T-A. GRCh37 (hg19) VCF-style: chr19-49703559-T-A.
Other names: c.2213T>A, p.Leu738Gln (NM_001195227.2); c.2303T>A, p.Leu768Gln (NM_001321281.2); c.1040T>A, p.Leu347Gln (NM_001321282.2); c.2126T>A, p.Leu709Gln (NM_001321283.2); c.1586T>A, p.Leu529Gln (NM_001321285.2); short protein forms L347Q, L529Q, L709Q, L738Q, L768Q, L883Q.
Identifiers: ClinVar variation 3364668 (VCV003364668.1).

ClinVar aggregate classification (germline): Uncertain significance (1 of 4 stars; one submission).

gnomAD v4.1: 1 of 1,614,170 alleles (0.000062%); highest among the groups gnomAD compares: Non-Finnish European, 0.000085%; no homozygotes.

Submission:

GeneDx
Classification: Uncertain significance. Last evaluated: 2023-11-20. Review status: criteria provided, single submitter. Criteria: GeneDx Variant Classification Process June 2021. Collection method: clinical testing. Allele origin: germline. Affected: yes.
Comment: Not observed at significant frequency in large population cohorts (gnomAD); In silico analysis supports that this missense variant has a deleterious effect on protein structure/function; In silico analysis supports a deleterious effect on splicing; Has not been previously published as pathogenic or benign to our knowledge